The following is an entry in ClinVar:

ClinVar aggregate classification (germline): Conflicting classifications of pathogenicity. Review status: criteria provided, conflicting classifications (1 of 4 stars). 6 submissions from 6 submitters: Uncertain significance (1); Benign (1); Likely benign (3). 1 of the submissions does not count toward it. Last evaluated 2026-06-01.

Conditions:
CHD7-related disorder. Also called: CHD7-related condition.
CHARGE syndrome (CHARGE). Also called: Coloboma, heart anomaly, choanal atresia, retardation, genital and ear anomalies; CHARGE association; Hall-Hittner syndrome; CHARGE ASSOCIATION--COLOBOMA, HEART ANOMALY, CHOANAL ATRESIA, RETARDATION, GENITAL AND EAR ANOMALIES; Hittner Hirsch Kreh syndrome. Identifiers: Orphanet 138, MedGen C0265354, MONDO:0008965.

Allele frequency attached by ClinVar (database versions not stated): gnomAD 0.00003; gnomAD exomes 0.00003 and 0.00017; TOPMed 0.00012; ExAC 0.00014.
gnomAD v4.1: 47 of 1,582,854 alleles (0.003%); highest among the groups gnomAD compares: Admixed American, 0.081%; 1 homozygote.

Submissions (6):

CeGaT Center for Human Genetics Tuebingen
Classification: Likely benign. Last evaluated: 2026-06-01. Review status: criteria provided, single submitter. Criteria: CeGaT Center For Human Genetics Tuebingen Variant Classification Criteria Version 2. Collection method: clinical testing. Allele origin: germline. Affected: yes. Observed: 2 variant alleles.
Comment: CHD7: BP4

Labcorp Genetics (formerly Invitae), Labcorp
Classification: Likely benign for CHARGE syndrome. Last evaluated: 2025-08-14. Review status: criteria provided, single submitter. Criteria: Invitae Variant Classification Sherloc (09022015). Collection method: clinical testing. Allele origin: germline.

Women's Health and Genetics/Laboratory Corporation of America, LabCorp
Classification: Benign. Last evaluated: 2025-04-15. Review status: criteria provided, single submitter. Criteria: LabCorp Variant Classification Summary - May 2015. Collection method: clinical testing. Allele origin: germline.
Comment: Variant summary: CHD7 c.2614-7G>T alters a nucleotide located at a position not widely known to affect splicing. Consensus agreement among computation tools predict no significant impact on normal splicing. However, these predictions have yet to be confirmed by functional studies. The variant allele was found at a frequency of 0.00017 in 231148 control chromosomes in the gnomAD database, including 1 homozygotes. The observed variant frequency is approximately 134.98 fold of the estimated maximal expected allele frequency for a pathogenic variant in CHD7 causing Congenital Heart Disease phenotype (1.3e-06). To our knowledge, no occurrence of c.2614-7G>T in individuals affected with Congenital Heart Disease and no experimental evidence demonstrating its impact on protein function have been reported. ClinVar contains an entry for this variant (Variation ID: 199143). Based on the evidence outlined above, the variant was classified as benign.

GeneDx
Classification: Likely benign. Last evaluated: 2020-12-29. Review status: criteria provided, single submitter. Criteria: GeneDx Variant Classification Process June 2021. Collection method: clinical testing. Allele origin: germline. Affected: yes.

Eurofins Ntd Llc (ga)
Classification: Uncertain significance. Last evaluated: 2015-05-26. Review status: criteria provided, single submitter. Criteria: EGL Classification Definitions 2015. Collection method: clinical testing. Allele origin: germline. Observed: 1 variant allele, 1 heterozygote.

PreventionGenetics, part of Exact Sciences
Classification: Likely benign for CHD7-related condition. Last evaluated: 2019-10-11. Review status: no assertion criteria provided. Collection method: clinical testing. Allele origin: germline. Not counted in ClinVar's aggregate classification.
Comment: This variant is classified as likely benign based on ACMG/AMP sequence variant interpretation guidelines (Richards et al. 2015 PMID: 25741868, with internal and published modifications).

NM_017780.4(CHD7):c.2614-7G>T

Gene: CHD7 (chromodomain helicase DNA binding protein 7; plus strand). Cytogenetic location: 8q12.2.
Variant type: single nucleotide variant.
Coding change: c.2614-7G>T on transcript NM_017780.4 (MANE Select); 7 bases into the intron before coding-DNA position 2614, G replaced by T.
Molecular consequence: intron variant.
Genome position (GRCh38, 1-based): chr8:60,820,000, G>T. VCF-style: chr8-60820000-G-T. GRCh37 (hg19) VCF-style: chr8-61732559-G-T.
Other names: c.1716+38950G>T (NM_001316690.1).
Identifiers: ClinVar variation 199143 (VCV000199143.23), dbSNP rs762399977, ClinGen allele CA248181.